The following is an entry in ClinVar:

ClinVar aggregate classification (germline): Pathogenic (1 of 4 stars; one submission).

Conditions:
Tooth agenesis, selective, 7 (STHAG7). Identifiers: Orphanet 99798, MedGen C4225231, MONDO:0014749, OMIM 616724.

Submission:

Illumina Laboratory Services, Illumina
Classification: Pathogenic for Tooth agenesis, selective, 7. Last evaluated: 2021-09-28. Review status: criteria provided, single submitter. Criteria: ICSLVariantClassificationCriteria RUGD 01 April 2020. Collection method: clinical testing. Allele origin: unknown.
Comment: The LRP6 c.56-2A>T variant occurs in a canonical splice site (acceptor) and is therefore predicted to disrupt the normal gene product. A literature search was performed for the gene and cDNA change. No publications were found based on this search. This variant is not found in version 2.1.1 or version 3.1.1 of the Genome Aggregation Database despite its location in a region of good sequencing coverage, which suggests the variant is rare. Based on the variant consequence, its rarity, and identification in a de novo state, the c.56-2A>T variant is classified as pathogenic for selective tooth agenesis.

NM_002336.3(LRP6):c.56-2A>T

Gene: LRP6 (LDL receptor related protein 6; minus strand). Cytogenetic location: 12p13.2.
Variant type: single nucleotide variant.
Coding change: c.56-2A>T on transcript NM_002336.3 (MANE Select); the canonical splice acceptor site of the intron before coding-DNA position 56, A replaced by T.
Molecular consequence: splice acceptor variant. On other transcripts: intron variant (1).
Genome position (GRCh38, 1-based): chr12:12,244,657, T>A on the plus strand (A>T on the coding strand, the complement: LRP6 is on the minus strand). VCF-style: chr12-12244657-T-A. GRCh37 (hg19) VCF-style: chr12-12397591-T-A.
Other names: c.56-2A>T (NM_001414245.1, NM_001414247.1, NM_001414255.1 and 6 more transcripts); c.-398-2A>T (NM_001414253.1); c.-5+22024A>T (NM_001414252.1); c.-394-2A>T (NM_001414254.1).
Identifiers: ClinVar variation 1328138 (VCV001328138.4), dbSNP rs2135918018, ClinGen allele CA383946255.